The following is an entry in ClinVar:

NM_001868.4(CPA1):c.650T>C (p.Leu217Pro)

Gene: CPA1 (carboxypeptidase A1; plus strand). Cytogenetic location: 7q32.2.
Variant type: single nucleotide variant.
Coding change: c.650T>C on transcript NM_001868.4 (MANE Select); coding-DNA position 650, T replaced by C.
Protein change: p.Leu217Pro; replaces leucine 217 with proline.
Molecular consequence: missense variant.
Genome position (GRCh38, 1-based): chr7:130,383,748, T>C. VCF-style: chr7-130383748-T-C. GRCh37 (hg19) VCF-style: chr7-130023589-T-C.
Other names: short protein forms L217P.
Identifiers: ClinVar variation 2625439 (VCV002625439.2), dbSNP rs2536008851, ClinGen allele CA369282767.

ClinVar aggregate classification (germline): Uncertain significance (1 of 4 stars; one submission).

Conditions:
Hereditary pancreatitis (PCTT). Also called: PRSS1-Related Hereditary Pancreatitis; Hereditary chronic pancreatitis. Identifiers: Orphanet 676, MedGen C0238339, MONDO:0008185, OMIM 167800.

Allele frequency attached by ClinVar (database versions not stated): gnomAD exomes below 0.00001.
gnomAD v4.1: 1 of 1,614,228 alleles (0.000062%); highest among the groups gnomAD compares: Non-Finnish European, 0.000085%; no homozygotes.

Submission:

Ambry Genetics
Classification: Uncertain significance for Hereditary pancreatitis. Last evaluated: 2023-07-06. Review status: criteria provided, single submitter. Criteria: Ambry Variant Classification Scheme 2023. Collection method: clinical testing. Allele origin: germline.
Comment: The p.L217P variant (also known as c.650T>C), located in coding exon 6 of the CPA1 gene, results from a T to C substitution at nucleotide position 650. The leucine at codon 217 is replaced by proline, an amino acid with similar properties. This amino acid position is conserved. In addition, the in silico prediction for this alteration is inconclusive. Since supporting evidence is limited at this time, the clinical significance of this alteration remains unclear.